The following is an entry in ClinVar:

ClinVar aggregate classification (germline): Pathogenic (1 of 4 stars; one submission).

Conditions:
Peroxisome biogenesis disorder. Identifiers: Orphanet 79189, MedGen C1832200, MONDO:0019234. Disease mechanism: loss of function.

Submission:

Myriad Genetics, Inc.
Classification: Pathogenic for Peroxisome biogenesis disorder. Last evaluated: 2025-01-13. Review status: criteria provided, single submitter. Criteria: Myriad Autosomal Dominant, Autosomal Recessive and X-Linked Classification Criteria (2023). Collection method: clinical testing. Allele origin: unknown.
Comment: NM_000466.2(PEX1):c.2528_2529insA(G844Wfs*4) is expected to be pathogenic in the context of peroxisome biogenesis disorder type 1. This variant is predicted to lead to an abnormal or absent protein product due to the creation of a premature termination codon in PEX1, a gene where loss-of-function variants are known to be pathogenic. Please note: this variant was assessed in the context of healthy population screening.

NM_000466.3(PEX1):c.2528_2529insA (p.Gly844fs)

Gene: PEX1 (peroxisomal biogenesis factor 1; minus strand). Cytogenetic location: 7q21.2.
Variant type: Insertion.
Coding change: c.2528_2529insA on transcript NM_000466.3 (MANE Select); coding-DNA positions 2528 to 2529, A inserted.
Protein change: p.Gly844fs; shifts the reading frame from glycine 844.
Molecular consequence: frameshift variant.
Genome position: GRCh38 VCF-style: chr7-92501561-A-AT. GRCh37 (hg19) VCF-style: chr7-92130875-A-AT.
Other names: c.2357_2358insA, p.Gly787fs (NM_001282677.2); c.1904_1905insA, p.Gly636fs (NM_001282678.2); short protein forms G636fs, G787fs, G844fs.
Identifiers: ClinVar variation 5013953 (VCV005013953.1).